The following is an entry in ClinVar:

NM_001134407.3(GRIN2A):c.2779A>G (p.Arg927Gly)

Gene: GRIN2A (glutamate ionotropic receptor NMDA type subunit 2A; minus strand). Cytogenetic location: 16p13.2.
Variant type: single nucleotide variant.
Coding change: c.2779A>G on transcript NM_001134407.3 (MANE Select); coding-DNA position 2779, A replaced by G.
Protein change: p.Arg927Gly; replaces arginine 927 with glycine.
Molecular consequence: missense variant.
Genome position (GRCh38, 1-based): chr16:9,764,765, T>C on the plus strand (A>G on the coding strand, the complement: GRIN2A is on the minus strand). VCF-style: chr16-9764765-T-C. GRCh37 (hg19) VCF-style: chr16-9858622-T-C.
Other names: c.2779A>G, p.Arg927Gly (NM_000833.5, NM_001134408.2); short protein forms R927G.
Identifiers: ClinVar variation 464052 (VCV000464052.9), dbSNP rs761044372, ClinGen allele CA7896425.

ClinVar aggregate classification (germline): Uncertain significance (1 of 4 stars; one submission).

Conditions:
Landau-Kleffner syndrome (FESD). Also called: EPILEPSY, FOCAL, WITH SPEECH DISORDER AND WITH OR WITHOUT MENTAL RETARDATION; APHASIA, ACQUIRED, WITH EPILEPSY. Identifiers: Orphanet 1945, Orphanet 725, Orphanet 98818, MedGen C0282512, MONDO:0009509, OMIM 245570.

Allele frequency attached by ClinVar (database versions not stated): gnomAD exomes 0.00002; ExAC 0.00001; TOPMed below 0.00001.
gnomAD v4.1: 36 of 1,614,218 alleles (0.0022%); highest among the groups gnomAD compares: Non-Finnish European, 0.0029%; no homozygotes.

Submission:

Labcorp Genetics (formerly Invitae), Labcorp
Classification: Uncertain significance for Landau-Kleffner syndrome. Last evaluated: 2017-02-27. Review status: criteria provided, single submitter. Criteria: Invitae Variant Classification Sherloc (09022015). Collection method: clinical testing. Allele origin: germline.
Comment: In summary, this variant is a rare missense change with uncertain impact on protein function. There is no indication that it causes disease, but the available evidence is currently insufficient to prove that conclusively. Therefore, it has been classified as a Variant of Uncertain Significance. Algorithms developed to predict the effect of sequence changes on RNA splicing suggest that this variant may alter RNA splicing, but this prediction has not been confirmed by published transcriptional studies. Algorithms developed to predict the effect of missense changes on protein structure and function (SIFT, PolyPhen-2, Align-GVGD) all suggest that this variant is likely to be tolerated, but these predictions have not been confirmed by published functional studies. This variant is present in population databases (rs761044372, ExAC 0.001%) but has not been reported in the literature in individuals with a GRIN2A-related disease. This sequence change replaces arginine with glycine at codon 927 of the GRIN2A protein (p.Arg927Gly). The arginine residue is moderately conserved and there is a moderate physicochemical difference between arginine and glycine.